The following is an entry in ClinVar:

NM_001385641.1(SAMD11):c.618G>A (p.Gly206=)

Gene: SAMD11 (sterile alpha motif domain containing 11; plus strand). Cytogenetic location: 1p36.33.
Variant type: single nucleotide variant.
Coding change: c.618G>A on transcript NM_001385641.1 (MANE Select); coding-DNA position 618, G replaced by A.
Protein change: p.Gly206=; no amino-acid change (glycine 206 retained).
Molecular consequence: synonymous variant.
Genome position (GRCh38, 1-based): chr1:930,163, G>A. VCF-style: chr1-930163-G-A. GRCh37 (hg19) VCF-style: chr1-865543-G-A.
Other names: c.618G>A, p.Gly206= (NM_001385640.1); c.81G>A, p.Gly27= (NM_152486.4); c.81G>A (NM_152486.2).
Identifiers: ClinVar variation 1547384 (VCV001547384.11), dbSNP rs370992396, ClinGen allele CA502417.

ClinVar aggregate classification (germline): Likely benign. Review status: criteria provided, multiple submitters, no conflicts (2 of 4 stars). 3 submissions from 3 submitters: Likely benign (2). 1 of the submissions does not count toward it. Last evaluated 2025-03-04.

Conditions:
SAMD11-related disorder. Also called: SAMD11-related condition.

Allele frequency attached by ClinVar (database versions not stated): gnomAD 0.00001; gnomAD exomes 0.00009; ExAC 0.00029.

Submissions (3):

Labcorp Genetics (formerly Invitae), Labcorp
Classification: Likely benign. Last evaluated: 2025-03-04. Review status: criteria provided, single submitter. Criteria: Invitae Variant Classification Sherloc (09022015). Collection method: clinical testing. Allele origin: germline.

Blueprint Genetics
Classification: Likely benign. Last evaluated: 2024-10-15. Review status: criteria provided, single submitter. Criteria: ACMG Guidelines, 2015. Collection method: clinical testing. Allele origin: germline.

PreventionGenetics, part of Exact Sciences
Classification: Likely benign for SAMD11-related condition. Last evaluated: 2019-07-12. Review status: no assertion criteria provided. Collection method: clinical testing. Allele origin: germline. Not counted in ClinVar's aggregate classification.
Comment: This variant is classified as likely benign based on ACMG/AMP sequence variant interpretation guidelines (Richards et al. 2015 PMID: 25741868, with internal and published modifications).